The following is an entry in ClinVar:

NM_006206.6(PDGFRA):c.1891+10C>T

Gene: PDGFRA (platelet derived growth factor receptor alpha; plus strand). Cytogenetic location: 4q12.
Variant type: single nucleotide variant.
Coding change: c.1891+10C>T on transcript NM_006206.6 (MANE Select); 10 bases into the intron after coding-DNA position 1891, C replaced by T.
Molecular consequence: intron variant.
Genome position (GRCh38, 1-based): chr4:54,277,502, C>T. VCF-style: chr4-54277502-C-T. GRCh37 (hg19) VCF-style: chr4-55143669-C-T.
Other names: c.1891+10C>T (NM_006206.5, NM_001347827.2, NM_001347829.2); c.1966+10C>T (NM_001347828.2); c.1930+10C>T (NM_001347830.2).
Identifiers: ClinVar variation 414499 (VCV000414499.17), dbSNP rs190242331, ClinGen allele CA2922692.

ClinVar aggregate classification (germline): Likely benign. Review status: criteria provided, multiple submitters, no conflicts (2 of 4 stars). 4 submissions from 4 submitters: Likely benign (2). 2 of the submissions do not count toward it. Last evaluated 2026-06-15.

Conditions:
Polyps, multiple and recurrent inflammatory fibroid, gastrointestinal. Identifiers: MedGen C5193005, MONDO:0008285, OMIM 175510.
Gastrointestinal stromal tumor. Also called: Gastrointestinal stroma tumor; Gastrointestinal stromal tumor, somatic. Identifiers: Orphanet 44890, MedGen C0238198, MeSH D046152, MONDO:0011719, OMIM 606764, HP:0100723.
PDGFRA-related disorder. Also called: PDGFRA-related condition.

Allele frequency attached by ClinVar (database versions not stated): gnomAD exomes 0.00002 and 0.00006; ExAC 0.00007; ESP Exome Variant Server 0.00023; gnomAD 0.00023 and 0.00024; TOPMed 0.00026; 1000 Genomes Project 0.00040; 1000 Genomes Project 30x 0.00047.
gnomAD v4.1: 67 of 1,579,354 alleles (0.0042%); highest among the groups gnomAD compares: African/African-American, 0.08%; no homozygotes.

Submissions (4):

Myriad Genetics, Inc.
Classification: Likely benign for Polyps, multiple and recurrent inflammatory fibroid, gastrointestinal. Last evaluated: 2026-06-15. Review status: criteria provided, single submitter. Criteria: Myriad Autosomal Dominant, Autosomal Recessive and X-Linked Classification Criteria (2023). Collection method: clinical testing. Allele origin: unknown.
Comment: This variant is considered likely benign. This variant is intronic and is not expected to impact mRNA splicing.

Labcorp Genetics (formerly Invitae), Labcorp
Classification: Likely benign for Gastrointestinal stromal tumor. Last evaluated: 2025-12-17. Review status: criteria provided, single submitter. Criteria: Invitae Variant Classification Sherloc (09022015). Collection method: clinical testing. Allele origin: germline.

PreventionGenetics, part of Exact Sciences
Classification: Likely benign for PDGFRA-related condition. Last evaluated: 2023-05-10. Review status: no assertion criteria provided. Collection method: clinical testing. Allele origin: germline. Not counted in ClinVar's aggregate classification.
Comment: This variant is classified as likely benign based on ACMG/AMP sequence variant interpretation guidelines (Richards et al. 2015 PMID: 25741868, with internal and published modifications).

Genetic Services Laboratory, University of Chicago
Classification: Likely benign. Last evaluated: 2022-07-28. Review status: no assertion criteria provided. Collection method: clinical testing. Allele origin: germline. Affected: no. Not counted in ClinVar's aggregate classification.